The following is an entry in ClinVar:

ClinVar aggregate classification (germline): Uncertain significance (1 of 4 stars; one submission).

Submission:

Dasa
Classification: Uncertain significance. Last evaluated: 2025-01-23. Review status: criteria provided, single submitter. Criteria: DASA Assertion Criteria. Collection method: clinical testing. Allele origin: germline.
Comment: NM_014712.3(SETD1A):c.3914C>G (p.Ala1305Gly) is a missense variant that results in the substitution of alanine with glycine. This variant is absent from population databases. Computational prediction algorithms are consistent with a benign effect. The currently available literature and clinical evidence are not sufficient to establish a definitive association between this variant and the reported condition. Therefore, this variant is classified as a variant of uncertain significance.

NM_014712.3(SETD1A):c.3914C>G (p.Ala1305Gly)

Gene: SETD1A (SET domain containing 1A, histone lysine methyltransferase; plus strand). Cytogenetic location: 16p11.2.
Variant type: single nucleotide variant.
Coding change: c.3914C>G on transcript NM_014712.3 (MANE Select); coding-DNA position 3914, C replaced by G.
Protein change: p.Ala1305Gly; replaces alanine 1305 with glycine.
Molecular consequence: missense variant.
Genome position (GRCh38, 1-based): chr16:30,979,700, C>G. VCF-style: chr16-30979700-C-G. GRCh37 (hg19) VCF-style: chr16-30991021-C-G.
Other names: short protein forms A1305G.
Identifiers: ClinVar variation 4856901 (VCV004856901.2).
Genomic context (GRCh38, chr16:30,979,700, plus strand): 5'-AGGCCGAGCGCCCTAGGCCCCTGCTCAGCCACATCCTCCTGGAGCACAACTATGCCCTGG[C>G]CGTCAAGCCCACGCCCCCTGCGCCAGCCCTGCGGCCCCCGGAGCCAGTGCCCGCACCCGC-3'
Protein context (NP_055527.1, residues 1295-1315): HILLEHNYAL[Ala1305Gly]VKPTPPAPAL